The following is an entry in ClinVar:

NM_000321.3(RB1):c.2425dup (p.Leu809fs)

Gene: RB1 (RB transcriptional corepressor 1; plus strand). Cytogenetic location: 13q14.2.
Variant type: Duplication.
Coding change: c.2425dup on transcript NM_000321.3 (MANE Select); coding-DNA position 2425, one base duplicated (C; older notation c.2425dupC).
Protein change: p.Leu809fs; shifts the reading frame from leucine 809.
Molecular consequence: frameshift variant.
Genome position (GRCh38, 1-based): chr13:48,465,304, C duplicated; the last of 4 consecutive C bases (chr13:48,465,301-48,465,304); duplicating any one gives the same sequence. VCF-style (leftmost placement, unchanged base first): chr13-48465300-A-AC. GRCh37 (hg19) VCF-style: chr13-49039436-A-AC.
Other names: c.2425dup, p.Leu809fs (NM_001407165.1); short protein forms L809fs.
Identifiers: ClinVar variation 4722677 (VCV004722677.1).

ClinVar aggregate classification (germline): Pathogenic (1 of 4 stars; one submission).

Conditions:
Retinoblastoma (RB1). Also called: RETINOBLASTOMA, SOMATIC. Identifiers: Orphanet 790, MedGen C0035335, MeSH D012175, MONDO:0008380, OMIM 180200, HP:0009919. Disease mechanism: loss of function. Inheritance: Both sporadic and heritable forms are tested..

Submission:

Labcorp Genetics (formerly Invitae), Labcorp
Classification: Pathogenic for Retinoblastoma. Last evaluated: 2025-07-04. Review status: criteria provided, single submitter. Criteria: Invitae Variant Classification Sherloc (09022015). Collection method: clinical testing. Allele origin: germline.
Comment: This sequence change creates a premature translational stop signal (p.Leu809Profs*6) in the RB1 gene. It is expected to result in an absent or disrupted protein product. Loss-of-function variants in RB1 are known to be pathogenic (PMID: 17096365). This variant is not present in population databases (gnomAD no frequency). This variant has not been reported in the literature in individuals affected with RB1-related conditions. For these reasons, this variant has been classified as Pathogenic.

Literature cited by the submitters: PubMed 17096365.